The following is an entry in ClinVar:

NM_033380.3(COL4A5):c.4707-30_4707-11del

Gene: COL4A5 (collagen type IV alpha 5 chain; plus strand). Cytogenetic location: Xq22.3.
Variant type: Deletion.
Coding change: c.4707-30_4707-11del on transcript NM_033380.3 (MANE Select); 30 bases into the intron before coding-DNA position 4707 through 11 bases into the intron before coding-DNA position 4707, 20 bases deleted (ATTATGTTCCTTCTCCTTTT).
Molecular consequence: intron variant.
Genome position (GRCh38, 1-based): chrX:108,694,777-108,694,796, ATTATGTTCCTTCTCCTTTT deleted. VCF-style (leftmost placement, unchanged base first): chrX-108694776-GATTATGTTCCTTCTCCTTTT-G. GRCh37 (hg19) VCF-style: chrX-107938006-GATTATGTTCCTTCTCCTTTT-G.
Other names: c.4689-30_4689-11del (NM_000495.5).
Identifiers: ClinVar variation 1354377 (VCV001354377.8), dbSNP rs2148001404, ClinGen allele CA2573159123.

ClinVar aggregate classification (germline): Uncertain significance (1 of 4 stars; one submission).

Submission:

Labcorp Genetics (formerly Invitae), Labcorp
Classification: Uncertain significance. Last evaluated: 2021-04-28. Review status: criteria provided, single submitter. Criteria: Invitae Variant Classification Sherloc (09022015). Collection method: clinical testing. Allele origin: germline.
Comment: This sequence change falls in intron 48 of the COL4A5 gene. It does not directly change the encoded amino acid sequence of the COL4A5 protein. In summary, the available evidence is currently insufficient to determine the role of this variant in disease. Therefore, it has been classified as a Variant of Uncertain Significance. Algorithms developed to predict the effect of sequence changes on RNA splicing suggest that this variant may create or strengthen a splice site, but this prediction has not been confirmed by published transcriptional studies. This variant has been observed in an individual affected with Alport syndrome (PMID: 29098738). This variant is not present in population databases (ExAC no frequency).

Literature cited by the submitters: PubMed 29098738.